The following is an entry in ClinVar:

NM_000531.6(OTC):c.78-1G>T

Gene: OTC (ornithine transcarbamylase; plus strand). Cytogenetic location: Xp11.4.
Variant type: single nucleotide variant.
Coding change: c.78-1G>T on transcript NM_000531.6 (MANE Select); the canonical splice acceptor site of the intron before coding-DNA position 78, G replaced by T.
Molecular consequence: splice acceptor variant.
Genome position (GRCh38, 1-based): chrX:38,367,290, G>T. VCF-style: chrX-38367290-G-T. GRCh37 (hg19) VCF-style: chrX-38226543-G-T.
Other names: c.78-1G>T (NM_001407092.1).
Identifiers: ClinVar variation 1469574 (VCV001469574.9), dbSNP rs281865554, ClinGen allele CA412715683.
Genomic context (GRCh38, chrX:38,367,290, plus strand): 5'-ACCATAGTACATGGGTCTTTTCTGAAATACATATTTCTCCCTTTTAAATCTCTTTTTACA[G>T]GTGTGGACAACCACTACAAAATAAAGTGCAGCTGAAGGGCCGTGACCTTCTCACTCTAAA-3'

ClinVar aggregate classification (germline): Likely pathogenic (1 of 4 stars; one submission).

Conditions:
Ornithine carbamoyltransferase deficiency (OTCD). Also called: ORNITHINE TRANSCARBAMYLASE DEFICIENCY; Ornithine Carbamoyltransferase Deficiency Disease; OTC DEFICIENCY; ORNITHINE TRANSCARBAMYLASE DEFICIENCY, HYPERAMMONEMIA DUE TO. Identifiers: Orphanet 664, MedGen C0268542, MONDO:0010703, OMIM 311250.

Submissions (2):

Labcorp Genetics (formerly Invitae), Labcorp
Classification: Likely pathogenic for Ornithine carbamoyltransferase deficiency. Last evaluated: 2021-02-08. Review status: criteria provided, single submitter. Criteria: Invitae Variant Classification Sherloc (09022015). Collection method: clinical testing. Allele origin: germline.
Comment: In summary, the currently available evidence indicates that the variant is pathogenic, but additional data are needed to prove that conclusively. Therefore, this variant has been classified as Likely Pathogenic. Algorithms developed to predict the effect of sequence changes on RNA splicing suggest that this variant may disrupt the consensus splice site, but this prediction has not been confirmed by published transcriptional studies. This variant has not been reported in the literature in individuals with OTC-related conditions. This variant is not present in population databases (ExAC no frequency). This sequence change affects an acceptor splice site in intron 1 of the OTC gene. It is expected to disrupt RNA splicing. Variants that disrupt the donor or acceptor splice site typically lead to a loss of protein function (PMID: 16199547), and loss-of-function variants in OTC are known to be pathogenic (PMID: 10946359, 16786505).

Dr. Peter K. Rogan Lab, Western University
No classification provided (evidence only). Condition: Nonpapillary renal cell carcinoma. Review status: no classification provided. Collection method: in vitro. Allele origin: not applicable. Functional consequence: retained intron. Not counted in ClinVar's aggregate classification.

Literature cited by the submitters: PubMed 16199547 (cited by Labcorp Genetics (formerly Invitae), Labcorp); PubMed 10946359 (cited by Labcorp Genetics (formerly Invitae), Labcorp); PubMed 16786505 (cited by Labcorp Genetics (formerly Invitae), Labcorp).